The following is an entry in ClinVar:

NM_001114632.2(JMJD7):c.273G>A (p.Ala91=)

Genes: JMJD7 (jumonji domain containing 7; plus strand), JMJD7-PLA2G4B (JMJD7-PLA2G4B readthrough; plus strand). Cytogenetic location: 15q15.1.
Variant type: single nucleotide variant.
Coding change: c.273G>A on transcript NM_001114632.2 (MANE Select); coding-DNA position 273, G replaced by A.
Protein change: p.Ala91=; no amino-acid change (alanine 91 retained).
Molecular consequence: synonymous variant.
Genome position (GRCh38, 1-based): chr15:41,835,024, G>A. VCF-style: chr15-41835024-G-A. GRCh37 (hg19) VCF-style: chr15-42127222-G-A.
Other names: c.273G>A, p.Ala91= (NM_001198588.2, NM_005090.4).
Identifiers: ClinVar variation 3047744 (VCV003047744.2), dbSNP rs374779486, ClinGen allele CA7498998.

ClinVar aggregate classification (germline): Likely benign (0 of 4 stars; one submission).

Conditions:
JMJD7-related disorder. Also called: JMJD7-related condition.

Allele frequency attached by ClinVar (database versions not stated): gnomAD exomes 0.00005; ExAC 0.00007; ESP Exome Variant Server 0.00008; gnomAD 0.00008; TOPMed 0.00009; 1000 Genomes Project 30x 0.00016; 1000 Genomes Project 0.00020.
gnomAD v4.1: 104 of 1,614,058 alleles (0.0064%); highest among the groups gnomAD compares: East Asian, 0.045%; no homozygotes.

Submission:

PreventionGenetics, part of Exact Sciences
Classification: Likely benign for JMJD7-related condition. Last evaluated: 2019-04-11. Review status: no assertion criteria provided. Collection method: clinical testing. Allele origin: germline.
Comment: This variant is classified as likely benign based on ACMG/AMP sequence variant interpretation guidelines (Richards et al. 2015 PMID: 25741868, with internal and published modifications).